The following is an entry in ClinVar:

ClinVar aggregate classification (germline): Pathogenic (1 of 4 stars; one submission).

Submission:

Quest Diagnostics Nichols Institute San Juan Capistrano
Classification: Pathogenic. Last evaluated: 2022-04-05. Review status: criteria provided, single submitter. Criteria: ACMG/ClinGen CNV Guidelines, 2019. Collection method: clinical testing. Allele origin: unknown.
Comment: The copy number loss of Xp21.1 involves multiple exons of an intragenic portion of gene DMD (OMIM 300377, NM_004006.3). Intragenic deletions and duplications as well as pathogenic sequence variants in DMD are associated with X-linked recessive Duchenne muscular dystrophy (DMD) (OMIM 310200), which, in males, is characterized by progressive proximal muscular dystrophy with characteristic pseudohypertrophy of the calves, massive elevation of creatine kinase levels in the blood, myopathic changes by electromyography, and myofiber degeneration with fibrosis and fatty infiltration on muscle biopsy, as well as with Becker muscular dystrophy (BMD) (OMIM 300376), which is considered similar to Duchenne muscular dystrophy in the distribution of muscle wasting and weakness, but with a more benign course. Carrier females of pathogenic alterations of the DMD gene are often not affected, but there is a proportion of carrier females (2.5%-19%) (Ishizaki 2018) that are manifesting carriers. Sequence variants in DMD have also been associated with dilated cardiomyopathy 3B (OMIM 302045). Deletions similar to the current interval have been reported in DMD/BMD patients numerous times in the literature (Esposito 2017, Ling 2020, Mital 1998, Nallamilli 2021, Rani 2013). Additionally, similar deletions to the current interval have also been reported in patients with various cardiomyopathies and cardiac disease (Kasper 2009, Muntoni 1997). There is one similar copy number loss of this region (likely an XX unaffected carrier) in the general populations of the Database of Genomic Variants. Thus, based on current medical literature and exon content, this copy number variant (CNV) is interpreted as pathogenic. References: Esposito et al., J Hum Genet. 2017 Dec;62(12):1057-1063. PMID: 28878337. Ishizaki et al., Neuromuscul Disord.?2018 Jul;28(7):572-581. PMID:?29801751. Kaspar et al., Circ Cardiovasc Genet. 2009 Dec;2(6):544-51. PMID: 20031633. Ling et al., Hum Mutat. 2020 Mar;41(3):668-677. PMID: 31705731. Mital et al., J Neurol Sci. 1998 May 7;157(2):179-86. PMID: 9619643. Muntoni et al., Heart. 1997 Dec;78(6):608-12. PMID: 9470882. Nallamilli et al., Hum Mutat. 2021 May;42(5):626-638. PMID: 33644936. Rani et al., J Neurogenet. 2013 Jun;27(1-2):11-5. PMID: 23438214.

GRCh37/hg19 Xp21.1(chrX:31761311-31869309)x1

Gene: DMD (dystrophin; minus strand). Cytogenetic location: Xp21.1.
Variant type: copy number loss.
Change: copy number 1 of chrX:31,761,311-31,869,309 (108.0 kb, GRCh37 coordinates, 1-based), cytogenetic band Xp21.1.
Identifiers: ClinVar variation 816329 (VCV000816329.2).